The following is an entry in ClinVar:

NM_001042492.3(NF1):c.7458-2A>C

Gene: NF1 (neurofibromin 1; plus strand). Cytogenetic location: 17q11.2.
Variant type: single nucleotide variant.
Coding change: c.7458-2A>C on transcript NM_001042492.3 (MANE Select); the canonical splice acceptor site of the intron before coding-DNA position 7458, A replaced by C.
Molecular consequence: splice acceptor variant.
Genome position (GRCh38, 1-based): chr17:31,352,255, A>C. VCF-style: chr17-31352255-A-C. GRCh37 (hg19) VCF-style: chr17-29679273-A-C.
Other names: c.7395-2A>C (NM_000267.4).
Identifiers: ClinVar variation 2786835 (VCV002786835.3), dbSNP rs2508811266, ClinGen allele CA399017381.

ClinVar aggregate classification (germline): Pathogenic (1 of 4 stars; one submission).

Conditions:
Neurofibromatosis, type 1 (NF1). Also called: VON RECKLINGHAUSEN DISEASE; Peripheral type neurofibromatosis; Neurofibromatosis, type I; NEUROFIBROMATOSIS, TYPE I, SOMATIC. Identifiers: Orphanet 636, MedGen C0027831, MONDO:0018975, OMIM 162200. Disease mechanism: loss of function.

Submission:

Labcorp Genetics (formerly Invitae), Labcorp
Classification: Pathogenic for Neurofibromatosis, type 1. Last evaluated: 2022-12-30. Review status: criteria provided, single submitter. Criteria: Invitae Variant Classification Sherloc (09022015). Collection method: clinical testing. Allele origin: germline.
Comment: Disruption of this splice site has been observed in individual(s) with neurofibromatosis type 1 (PMID: 19738042, 31533651, 31776437). For these reasons, this variant has been classified as Pathogenic. Algorithms developed to predict the effect of sequence changes on RNA splicing suggest that this variant may disrupt the consensus splice site. This variant is not present in population databases (gnomAD no frequency). This sequence change affects an acceptor splice site in intron 49 of the NF1 gene. It is expected to disrupt RNA splicing. Variants that disrupt the donor or acceptor splice site typically lead to a loss of protein function (PMID: 16199547), and loss-of-function variants in NF1 are known to be pathogenic (PMID: 10712197, 23913538).

Literature cited by the submitters: PubMed 19738042; PubMed 31533651; PubMed 31776437; PubMed 16199547; PubMed 10712197; PubMed 23913538.